The following is an entry in ClinVar:

NM_032620.4(GTPBP3):c.776A>G (p.Asn259Ser)

Gene: GTPBP3 (GTP binding protein 3, mitochondrial; plus strand). Cytogenetic location: 19p13.11.
Variant type: single nucleotide variant.
Coding change: c.776A>G on transcript NM_032620.4 (MANE Select); coding-DNA position 776, A replaced by G.
Protein change: p.Asn259Ser; replaces asparagine 259 with serine.
Molecular consequence: missense variant.
Genome position (GRCh38, 1-based): chr19:17,339,234, A>G. VCF-style: chr19-17339234-A-G. GRCh37 (hg19) VCF-style: chr19-17450043-A-G.
Other names: c.776A>G, p.Asn259Ser (NM_001128855.3); c.842A>G, p.Asn281Ser (NM_001195422.1); c.872A>G, p.Asn291Ser (NM_133644.4); c.872A>G (NM_133644.3); short protein forms N281S, N291S, N259S.
Identifiers: ClinVar variation 1483843 (VCV001483843.38), dbSNP rs777934121, ClinGen allele CA9293496.

ClinVar aggregate classification (germline): Conflicting classifications of pathogenicity. Review status: criteria provided, conflicting classifications (1 of 4 stars). 5 submissions from 5 submitters: Likely pathogenic (3); Uncertain significance (2). Last evaluated 2026-08-01.

Conditions:
Combined oxidative phosphorylation defect type 23. Also called: Combined oxidative phosphorylation deficiency 23. Identifiers: Orphanet 444013, MedGen C5567743, MONDO:0014525, OMIM 616198.

Allele frequency attached by ClinVar (database versions not stated): gnomAD 0.00003 and 0.00004; gnomAD exomes 0.00005; ExAC 0.00007; TOPMed 0.00007.
gnomAD v4.1: 59 of 1,610,880 alleles (0.0037%); highest among the groups gnomAD compares: East Asian, 0.011%; no homozygotes.

Submissions (5):

CeGaT Center for Human Genetics Tuebingen
Classification: Likely pathogenic. Last evaluated: 2026-08-01. Review status: criteria provided, single submitter. Criteria: CeGaT Center For Human Genetics Tuebingen Variant Classification Criteria Version 2. Collection method: clinical testing. Allele origin: germline. Affected: yes. Observed: 2 variant alleles.
Comment: GTPBP3: PM3:Strong, PM2, PP1

GeneDx
Classification: Likely pathogenic. Last evaluated: 2024-07-26. Review status: criteria provided, single submitter. Criteria: GeneDx Variant Classification Process June 2021. Collection method: clinical testing. Allele origin: germline. Affected: yes.
Comment: Not observed at significant frequency in large population cohorts (gnomAD); In silico analysis supports that this missense variant has a deleterious effect on protein structure/function; Also known as N259S; This variant is associated with the following publications: (PMID: 38701254, 38327089, 35598585)

Blueprint Genetics
Classification: Uncertain significance. Last evaluated: 2024-04-11. Review status: criteria provided, single submitter. Criteria: ACMG Guidelines, 2015. Collection method: clinical testing. Allele origin: germline.

Labcorp Genetics (formerly Invitae), Labcorp
Classification: Uncertain significance. Last evaluated: 2022-08-19. Review status: criteria provided, single submitter. Criteria: Invitae Variant Classification Sherloc (09022015). Collection method: clinical testing. Allele origin: germline.
Comment: This sequence change replaces asparagine, which is neutral and polar, with serine, which is neutral and polar, at codon 291 of the GTPBP3 protein (p.Asn291Ser). This variant is present in population databases (rs777934121, gnomAD 0.01%). This variant has not been reported in the literature in individuals affected with GTPBP3-related conditions. ClinVar contains an entry for this variant (Variation ID: 1483843). Algorithms developed to predict the effect of missense changes on protein structure and function are either unavailable or do not agree on the potential impact of this missense change (SIFT: "Deleterious"; PolyPhen-2: "Probably Damaging"; Align-GVGD: "Class C0"). Algorithms developed to predict the effect of sequence changes on RNA splicing suggest that this variant may create or strengthen a splice site. In summary, the available evidence is currently insufficient to determine the role of this variant in disease. Therefore, it has been classified as a Variant of Uncertain Significance.

Pediatric Department, Xiangya Hospital, Central South University
Classification: Likely pathogenic for Combined oxidative phosphorylation defect type 23. Review status: criteria provided, single submitter. Criteria: ACMG Guidelines, 2015. Collection method: clinical testing. Allele origin: maternal. Affected: yes. Observed: 2 compound heterozygotes. Clinical features observed: Neurodevelopmental delay, seizure.
Comment: This variant was observed in compound heterozygosity with variant (c.187C>T)